The following is an entry in ClinVar:

ClinVar aggregate classification (germline): Likely pathogenic. Review status: criteria provided, multiple submitters, no conflicts (2 of 4 stars). 3 submissions from 3 submitters: Likely pathogenic (2). 1 of the submissions does not count toward it. Last evaluated 2024-02-28.

Conditions:
Autosomal recessive nonsyndromic hearing loss 12. Also called: DEAFNESS, AUTOSOMAL RECESSIVE 12. Identifiers: Orphanet 90636, MedGen C1832394, MONDO:0011067, OMIM 601386.

Submissions (3):

3billion
Classification: Likely pathogenic for Autosomal recessive nonsyndromic hearing loss 12. Last evaluated: 2024-02-28. Review status: criteria provided, single submitter. Criteria: ACMG Guidelines, 2015. Collection method: clinical testing. Allele origin: germline. Affected: yes.
Comment: The variant is not observed in the gnomAD v2.1.1 dataset. Predicted Consequence/Location: The majority of the known disease-causing variants of this gene are variants expected to result in premature termination of the protein. Damaging effect on gene or gene product predicted by in silico programs is uncertain [REVEL: 0.36 (damaging >=0.6, benign <0.4), 3Cnet: 0.18 (damaging >=0.6, benign <0.15)]. Same nucleotide change resulting in same amino acid change has been previously reported as pathogenic/likely pathogenic with strong evidence (ClinVar ID: VCV000402249 /PMID: 32747562). The variant has been reported to co-segregate with the disease in at least one similarly affected relative/individual in the same family or similarly affected unrelated family (PMID: 32747562). Therefore, this variant is classified as Likely pathogenic according to the recommendation of ACMG/AMP guideline.

King Laboratory, University of Washington
Classification: Likely pathogenic for Autosomal recessive nonsyndromic hearing loss 12. Last evaluated: 2020-08-01. Review status: criteria provided, single submitter. Criteria: Abu Rayyan A et al. (Proc Natl Acad Sci U S A 2020). Collection method: research. Allele origin: germline. Affected: yes.
Comment: CDH23 c.8204T>C, p.L2735P alters a completely conserved residue of CDH2. The variant is homozygous in 4 children in two Palestinian families with severe to prpfound pre-lingual hearing loss (Abu Rayyan 2020). The variant is absent from 1300 Palestinian controls and from gnomAD v2.1.1.

Hereditary Research Laboratory, Bethlehem University
Classification: Pathogenic for Autosomal recessive nonsyndromic hearing loss 12. Last evaluated: 2016-06-04. Review status: no assertion criteria provided. Collection method: research. Allele origin: germline. Affected: yes. Not counted in ClinVar's aggregate classification.

Literature cited by the submitters: PubMed 32747562 (cited by 3billion).

NM_022124.6(CDH23):c.8204T>C (p.Leu2735Pro)

Gene: CDH23 (cadherin related 23; plus strand). Cytogenetic location: 10q22.1.
Variant type: single nucleotide variant.
Coding change: c.8204T>C on transcript NM_022124.6 (MANE Select); coding-DNA position 8204, T replaced by C.
Protein change: p.Leu2735Pro; replaces leucine 2735 with proline.
Molecular consequence: missense variant.
Genome position (GRCh38, 1-based): chr10:71,807,302, T>C. VCF-style: chr10-71807302-T-C. GRCh37 (hg19) VCF-style: chr10-73567059-T-C.
Other names: c.1484T>C, p.Leu495Pro (NM_001171933.1, NM_001171934.1); short protein forms L2735P, L495P.
Identifiers: ClinVar variation 402249 (VCV000402249.4), dbSNP rs1060499790, ClinGen allele CA16609573.
Genomic context (GRCh38, chr10:71,807,302, plus strand): 5'-TGGCCCCATGTGATGACATCCCCCTCCCTCTGCAGAAAGGCAGCCCCCAGTACCAGCTGC[T>C]GACAGTGCCTGAGCACTCACCACGCGGCACCCTCGTGGGCAACGTGACAGGCGCAGTGGA-3'
Protein context (NP_071407.4, residues 2725-2745): PPKGSPQYQL[Leu2735Pro]TVPEHSPRGT